The following is an entry in ClinVar:

NM_001042492.3(NF1):c.1062+2dup

Gene: NF1 (neurofibromin 1; plus strand). Cytogenetic location: 17q11.2.
Variant type: Duplication.
Coding change: c.1062+2dup on transcript NM_001042492.3 (MANE Select); the canonical splice donor site of the intron after coding-DNA position 1062, one base duplicated (T; older notation c.1062+2dupT).
Molecular consequence: splice donor variant.
Genome position (GRCh38, 1-based): chr17:31,200,597, T duplicated. VCF-style (leftmost placement, unchanged base first): chr17-31200596-G-GT. GRCh37 (hg19) VCF-style: chr17-29527614-G-GT.
Other names: p.?; c.1062+2dup (NM_000267.4, NM_001128147.3).
Identifiers: ClinVar variation 944885 (VCV000944885.8), dbSNP rs2066510417, ClinGen allele CA1139665315.

ClinVar aggregate classification (germline): Conflicting classifications of pathogenicity. Review status: criteria provided, conflicting classifications (1 of 4 stars). 3 submissions from 3 submitters: Likely pathogenic (1); Uncertain significance (2). Last evaluated 2025-08-24.

Conditions:
Neurofibromatosis, type 1 (NF1). Also called: Peripheral type neurofibromatosis; Neurofibromatosis, type I; VON RECKLINGHAUSEN DISEASE; NEUROFIBROMATOSIS, TYPE I, SOMATIC. Identifiers: Orphanet 636, MedGen C0027831, MONDO:0018975, OMIM 162200. Disease mechanism: loss of function.

Submissions (3):

Labcorp Genetics (formerly Invitae), Labcorp
Classification: Likely pathogenic for Neurofibromatosis, type 1. Last evaluated: 2025-08-24. Review status: criteria provided, single submitter. Criteria: Invitae Variant Classification Sherloc (09022015). Collection method: clinical testing. Allele origin: germline.
Comment: This sequence change falls in intron 9 of the NF1 gene. It does not directly change the encoded amino acid sequence of the NF1 protein. It affects a nucleotide within the consensus splice site. This variant is not present in population databases (gnomAD no frequency). This variant has been observed in individuals with neurofibromatosis type 1 (internal data). ClinVar contains an entry for this variant (Variation ID: 944885). Variants that disrupt the consensus splice site are a relatively common cause of aberrant splicing (PMID: 17576681, 9536098). Algorithms developed to predict the effect of sequence changes on RNA splicing suggest that this variant may disrupt the consensus splice site. This variant disrupts the c.1062+3A nucleotide in the NF1 gene. Other variant(s) that disrupt this nucleotide have been determined to be pathogenic (PMID: 18546366; internal data). This suggests that this nucleotide is clinically significant, and that variants that disrupt this position are likely to be disease-causing. In summary, the currently available evidence indicates that the variant is pathogenic, but additional data are needed to prove that conclusively. Therefore, this variant has been classified as Likely Pathogenic.

Mayo Clinic Laboratories, Mayo Clinic
Classification: Uncertain significance. Last evaluated: 2025-07-03. Review status: criteria provided, single submitter. Criteria: ACMG Guidelines, 2015. Collection method: clinical testing. Allele origin: germline. Observed: 1 variant allele.
Comment: PP3, PM2_supporting, PS1_moderate

Juno Genomics, Hangzhou Juno Genomics, Inc
Classification: Uncertain significance for Neurofibromatosis, type 1. Review status: criteria provided, single submitter. Criteria: ACMG Guidelines, 2015. Collection method: clinical testing. Allele origin: germline. Affected: yes.
Comment: Absent from controls (or at extremely low frequency if recessive) in Genome Aggregation Database, Exome Sequencing Project, 1000 Genomes Project, or Exome Aggregation Consortium.;Multiple lines of computational evidence support a deleterious effect on the gene or gene product (conservation, evolutionary, splicing impact, etc).;Patient's phenotype or family history is highly specific for a disease with a single genetic etiology.

Literature cited by the submitters: PubMed 17576681 (cited by Labcorp Genetics (formerly Invitae), Labcorp); PubMed 9536098 (cited by Labcorp Genetics (formerly Invitae), Labcorp); PubMed 18546366 (cited by Labcorp Genetics (formerly Invitae), Labcorp).